The following is an entry in ClinVar:

ClinVar aggregate classification (germline): Pathogenic. Review status: criteria provided, multiple submitters, no conflicts (2 of 4 stars). 6 submissions from 6 submitters: Pathogenic (5). 1 of the submissions does not count toward it. Last evaluated 2024-08-05.

Conditions:
Inborn genetic diseases. Identifiers: MedGen C0950123, MeSH D030342.
Microcephaly 5, primary, autosomal recessive (MCPH5). Also called: ASPM Primary Microcephaly. Identifiers: Orphanet 2512, MedGen C1837501, MONDO:0012106, OMIM 608716.

Allele frequency attached by ClinVar (database versions not stated): TOPMed 0.00001; ExAC 0.00002; gnomAD exomes 0.00003 and 0.00004.
gnomAD v4.1: 38 of 1,612,788 alleles (0.0024%); highest among the groups gnomAD compares: Admixed American, 0.017%; no homozygotes.

Submissions (6):

Ambry Genetics
Classification: Pathogenic for Inborn genetic diseases. Last evaluated: 2024-08-05. Review status: criteria provided, single submitter. Criteria: Ambry Variant Classification Scheme 2023. Collection method: clinical testing. Allele origin: germline.
Comment: The c.9910C>T (p.R3304*) alteration, located in exon 25 (coding exon 25) of the ASPM gene, consists of a C to T substitution at nucleotide position 9910. This changes the amino acid from an arginine (R) to a stop codon at amino acid position 3304. This alteration is expected to result in loss of function by premature protein truncation or nonsense-mediated mRNA decay. Based on data from gnomAD, the T allele has an overall frequency of 0.004% (9/250346) total alleles studied. The highest observed frequency was 0.026% (9/34510) of Latino alleles. This variant has been identified in conjunction with another ASPM variant in at least one individual, but clinical details were limited (Tan, 2014). Based on the available evidence, this alteration is classified as pathogenic.

GeneDx
Classification: Pathogenic. Last evaluated: 2023-12-14. Review status: criteria provided, single submitter. Criteria: GeneDx Variant Classification Process June 2021. Collection method: clinical testing. Allele origin: germline. Affected: yes.
Comment: Nonsense variant predicted to result in protein truncation or nonsense mediated decay in a gene for which loss-of-function is a known mechanism of disease; This variant is associated with the following publications: (PMID: 29058117, 23611254, 29243349, 37599996)

Genome-Nilou Lab
Classification: Pathogenic for Microcephaly 5, primary, autosomal recessive. Last evaluated: 2023-04-11. Review status: criteria provided, single submitter. Criteria: ACMG Guidelines, 2015. Collection method: clinical testing. Allele origin: germline. Affected: no.

Labcorp Genetics (formerly Invitae), Labcorp
Classification: Pathogenic. Last evaluated: 2021-11-18. Review status: criteria provided, single submitter. Criteria: Invitae Variant Classification Sherloc (09022015). Collection method: clinical testing. Allele origin: germline.
Comment: ClinVar contains an entry for this variant (Variation ID: 157918). For these reasons, this variant has been classified as Pathogenic. This premature translational stop signal has been observed in individual(s) with clinical features of primary microcephaly (PMID: 23611254). This variant is present in population databases (rs587783295, gnomAD 0.03%). This sequence change creates a premature translational stop signal (p.Arg3304*) in the ASPM gene. It is expected to result in an absent or disrupted protein product. Loss-of-function variants in ASPM are known to be pathogenic (PMID: 19028728, 23611254).

Genetic Services Laboratory, University of Chicago
Classification: Pathogenic for Microcephaly 5, primary, autosomal recessive. Last evaluated: 2013-02-08. Review status: criteria provided, single submitter. Criteria: ACMG Guidelines, 2007. Collection method: clinical testing. Allele origin: germline. Inheritance: Autosomal recessive inheritance. Affected: yes.

Service de Génétique Moléculaire, Hôpital Robert Debré
Classification: Pathogenic for Microcephaly 5, primary, autosomal recessive. Review status: no assertion criteria provided. Collection method: clinical testing. Allele origin: unknown. Affected: yes. Not counted in ClinVar's aggregate classification.

Literature cited by the submitters: PubMed 23611254 (cited by Ambry Genetics and Labcorp Genetics (formerly Invitae), Labcorp); PubMed 19028728 (cited by Labcorp Genetics (formerly Invitae), Labcorp).

NM_018136.5(ASPM):c.9910C>T (p.Arg3304Ter)

Gene: ASPM (assembly factor for spindle microtubules; minus strand). Cytogenetic location: 1q31.3.
Variant type: single nucleotide variant.
Coding change: c.9910C>T on transcript NM_018136.5 (MANE Select); coding-DNA position 9910, C replaced by T.
Protein change: p.Arg3304Ter; replaces arginine 3304 with a stop codon.
Molecular consequence: nonsense.
Genome position (GRCh38, 1-based): chr1:197,090,004, G>A on the plus strand (C>T on the coding strand, the complement: ASPM is on the minus strand). VCF-style: chr1-197090004-G-A. GRCh37 (hg19) VCF-style: chr1-197059134-G-A.
Other names: c.5155C>T, p.Arg1719Ter (NM_001206846.2); short protein forms R3304*, R1719*.
Identifiers: ClinVar variation 157918 (VCV000157918.17), dbSNP rs587783295, ClinGen allele CA271159.